The following is an entry in ClinVar:

NM_203447.4(DOCK8):c.3758G>T (p.Gly1253Val)

Gene: DOCK8 (dedicator of cytokinesis 8; plus strand). Cytogenetic location: 9p24.3.
Variant type: single nucleotide variant.
Coding change: c.3758G>T on transcript NM_203447.4 (MANE Select); coding-DNA position 3758, G replaced by T.
Protein change: p.Gly1253Val; replaces glycine 1253 with valine.
Molecular consequence: missense variant.
Genome position (GRCh38, 1-based): chr9:418,125, G>T. VCF-style: chr9-418125-G-T. GRCh37 (hg19) VCF-style: chr9-418125-G-T.
Other names: c.3758G>T (NM_203447.3); c.3458G>T, p.Gly1153Val (NM_001190458.2); c.3554G>T, p.Gly1185Val (NM_001193536.2); short protein forms G1185V, G1153V, G1253V.
Identifiers: ClinVar variation 1422382 (VCV001422382.9), dbSNP rs774890293, ClinGen allele CA4958818.

ClinVar aggregate classification (germline): Uncertain significance. Review status: criteria provided, multiple submitters, no conflicts (2 of 4 stars). 2 submissions from 2 submitters: Uncertain significance (2). Last evaluated 2025-06-29.

Conditions:
Combined immunodeficiency due to DOCK8 deficiency (HIES2). Also called: Hyper-IgE recurrent infection syndrome, autosomal recessive; DOCK8 Deficiency; HYPER-IgE RECURRENT INFECTION SYNDROME 2, AUTOSOMAL RECESSIVE; HIES autosomal recessive; HYPER-IgE SYNDROME 2, AUTOSOMAL RECESSIVE, WITH RECURRENT INFECTIONS. Identifiers: Orphanet 217390, MedGen C4722305, MONDO:0009478, OMIM 243700.
Inborn genetic diseases. Identifiers: MedGen C0950123, MeSH D030342.

Allele frequency attached by ClinVar (database versions not stated): TOPMed 0.00001; ExAC 0.00002; gnomAD 0.00002.
gnomAD v4.1: 22 of 1,614,110 alleles (0.0014%); highest among the groups gnomAD compares: Non-Finnish European, 0.0019%; no homozygotes.

Submissions (2):

Labcorp Genetics (formerly Invitae), Labcorp
Classification: Uncertain significance for Combined immunodeficiency due to DOCK8 deficiency. Last evaluated: 2025-06-29. Review status: criteria provided, single submitter. Criteria: Invitae Variant Classification Sherloc (09022015). Collection method: clinical testing. Allele origin: germline.
Comment: This sequence change replaces glycine, which is neutral and non-polar, with valine, which is neutral and non-polar, at codon 1253 of the DOCK8 protein (p.Gly1253Val). This variant is present in population databases (rs774890293, gnomAD 0.006%). This variant has not been reported in the literature in individuals affected with DOCK8-related conditions. ClinVar contains an entry for this variant (Variation ID: 1422382). Invitae Evidence Modeling of protein sequence and biophysical properties (such as structural, functional, and spatial information, amino acid conservation, physicochemical variation, residue mobility, and thermodynamic stability) indicates that this missense variant is not expected to disrupt DOCK8 protein function with a negative predictive value of 80%. In summary, the available evidence is currently insufficient to determine the role of this variant in disease. Therefore, it has been classified as a Variant of Uncertain Significance.

Ambry Genetics
Classification: Uncertain significance for Inborn genetic diseases. Last evaluated: 2025-04-10. Review status: criteria provided, single submitter. Criteria: Ambry Variant Classification Scheme 2023. Collection method: clinical testing. Allele origin: germline.